The following is an entry in ClinVar:

NM_017813.5(BPNT2):c.728G>A (p.Arg243His)

Gene: BPNT2 (3'(2'), 5'-bisphosphate nucleotidase 2; minus strand). Cytogenetic location: 8q12.1.
Variant type: single nucleotide variant.
Coding change: c.728G>A on transcript NM_017813.5 (MANE Select); coding-DNA position 728, G replaced by A.
Protein change: p.Arg243His; replaces arginine 243 with histidine.
Molecular consequence: missense variant.
Genome position (GRCh38, 1-based): chr8:56,966,271, C>T on the plus strand (G>A on the coding strand, the complement: BPNT2 is on the minus strand). VCF-style: chr8-56966271-C-T. GRCh37 (hg19) VCF-style: chr8-57878830-C-T.
Other names: c.728G>A (NM_017813.3); short protein forms R243H.
Identifiers: ClinVar variation 1011336 (VCV001011336.7), dbSNP rs148507660, ClinGen allele CA4755824.
Genomic context (GRCh38, chr8:56,966,271, plus strand): 5'-ATTGTAGTCTGGTTTCCAAAAGTCTGAAGAGCGACCTGTTTGACCATCCCTGAATGGGAA[C>T]GAGACACAACGATCCTTGGGGTCTTCTCATTGTAGGAAGAGCGGGCTTTCACATTTGAAC-3'
Protein context (NP_060283.3, residues 233-253): NEKTPRIVVS[Arg243His]SHSGMVKQVA

ClinVar aggregate classification (germline): Uncertain significance. Review status: criteria provided, multiple submitters, no conflicts (2 of 4 stars). 2 submissions from 2 submitters: Uncertain significance (2). Last evaluated 2025-04-25.

Allele frequency attached by ClinVar (database versions not stated): 1000 Genomes Project 30x 0.00031; ExAC 0.00001; TOPMed 0.00002; gnomAD 0.00003; 1000 Genomes Project 0.00020; gnomAD exomes 0.00001 and 0.00003.
gnomAD v4.1: 17 of 1,613,930 alleles (0.0011%); highest among the groups gnomAD compares: East Asian, 0.016%; no homozygotes.

Submissions (2):

Ambry Genetics
Classification: Uncertain significance. Last evaluated: 2025-04-25. Review status: criteria provided, single submitter. Criteria: Ambry Variant Classification Scheme 2023. Collection method: clinical testing. Allele origin: germline.

Labcorp Genetics (formerly Invitae), Labcorp
Classification: Uncertain significance. Last evaluated: 2021-08-25. Review status: criteria provided, single submitter. Criteria: Invitae Variant Classification Sherloc (09022015). Collection method: clinical testing. Allele origin: germline.
Comment: This sequence change replaces arginine with histidine at codon 243 of the IMPAD1 protein (p.Arg243His). The arginine residue is highly conserved and there is a small physicochemical difference between arginine and histidine. This variant is present in population databases (rs148507660, ExAC 0.01%). This variant has not been reported in the literature in individuals affected with IMPAD1-related conditions. Algorithms developed to predict the effect of missense changes on protein structure and function are either unavailable or do not agree on the potential impact of this missense change (SIFT: "Deleterious"; PolyPhen-2: "Probably Damaging"; Align-GVGD: "Class C0"). In summary, the available evidence is currently insufficient to determine the role of this variant in disease. Therefore, it has been classified as a Variant of Uncertain Significance.